The following is an entry in ClinVar:

NM_003737.4(DCHS1):c.7441A>G (p.Ser2481Gly)

Gene: DCHS1 (dachsous cadherin-related 1; minus strand). Cytogenetic location: 11p15.4.
Variant type: single nucleotide variant.
Coding change: c.7441A>G on transcript NM_003737.4 (MANE Select); coding-DNA position 7441, A replaced by G.
Protein change: p.Ser2481Gly; replaces serine 2481 with glycine.
Molecular consequence: missense variant.
Genome position (GRCh38, 1-based): chr11:6,624,235, T>C on the plus strand (A>G on the coding strand, the complement: DCHS1 is on the minus strand). VCF-style: chr11-6624235-T-C. GRCh37 (hg19) VCF-style: chr11-6645466-T-C.
Other names: short protein forms S2481G.
Identifiers: ClinVar variation 2440714 (VCV002440714.4), dbSNP rs2493813108, ClinGen allele CA379483075.

ClinVar aggregate classification (germline): Uncertain significance. Review status: criteria provided, multiple submitters, no conflicts (2 of 4 stars). 2 submissions from 2 submitters: Uncertain significance (2). Last evaluated 2025-08-04.

Allele frequency attached by ClinVar (database versions not stated): gnomAD exomes below 0.00001.
gnomAD v4.1: 1 of 1,613,042 alleles (0.000062%); highest among the groups gnomAD compares: East Asian, 0.0022%; no homozygotes.

Submissions (2):

Labcorp Genetics (formerly Invitae), Labcorp
Classification: Uncertain significance. Last evaluated: 2025-08-04. Review status: criteria provided, single submitter. Criteria: Invitae Variant Classification Sherloc (09022015). Collection method: clinical testing. Allele origin: germline.
Comment: This sequence change replaces serine, which is neutral and polar, with glycine, which is neutral and non-polar, at codon 2481 of the DCHS1 protein (p.Ser2481Gly). This variant is not present in population databases (gnomAD no frequency). This variant has not been reported in the literature in individuals affected with DCHS1-related conditions. ClinVar contains an entry for this variant (Variation ID: 2440714). Invitae Evidence Modeling of protein sequence and biophysical properties (such as structural, functional, and spatial information, amino acid conservation, physicochemical variation, residue mobility, and thermodynamic stability) indicates that this missense variant is not expected to disrupt DCHS1 protein function with a negative predictive value of 80%. In summary, the available evidence is currently insufficient to determine the role of this variant in disease. Therefore, it has been classified as a Variant of Uncertain Significance.

Revvity Omics, Revvity
Classification: Uncertain significance. Last evaluated: 2020-09-15. Review status: criteria provided, single submitter. Criteria: ACMG Guidelines, 2015. Collection method: clinical testing. Allele origin: germline.